The following is an entry in ClinVar:

NM_012250.6(RRAS2):c.70G>T (p.Gly24Cys)

Genes: RRAS2 (RAS related 2; minus strand), LOC130005368 (ATAC-STARR-seq lymphoblastoid silent region 3172; plus strand). Cytogenetic location: 11p15.2.
Variant type: single nucleotide variant.
Coding change: c.70G>T on transcript NM_012250.6 (MANE Select); coding-DNA position 70, G replaced by T.
Protein change: p.Gly24Cys; replaces glycine 24 with cysteine.
Molecular consequence: missense variant. On other transcripts: intron variant (1).
Genome position (GRCh38, 1-based): chr11:14,358,801, C>A on the plus strand (G>T on the coding strand, the complement: RRAS2 is on the minus strand). VCF-style: chr11-14358801-C-A. GRCh37 (hg19) VCF-style: chr11-14380347-C-A.
Other names: c.70G>T, p.Gly24Cys (NM_001440708.1); c.3+5590G>T (NM_001177314.2); short protein forms G24C.
Identifiers: ClinVar variation 4759314 (VCV004759314.2).
Genomic context (GRCh38, chr11:14,358,801, plus strand): 5'-CGGGCAGGCCCGCTCCAGGTACCTGGATGAACTGGATGGTGAGCGCCGACTTGCCCACGC[C>A]GCCCCCGCCGACCACCACGAGCCGGTACTTCTCCTGGCCGGAGCCGTCCCGCCAGCCGGC-3'
Protein context (NP_036382.2, residues 14-34): KYRLVVVGGG[Gly24Cys]VGKSALTIQF

ClinVar aggregate classification (germline): Conflicting classifications of pathogenicity. Review status: criteria provided, conflicting classifications (1 of 4 stars). 2 submissions from 2 submitters: Likely pathogenic (1); Uncertain significance (1). Last evaluated 2026-08-05.

Conditions:
Noonan syndrome 12. Identifiers: MedGen C5231432, MONDO:0032839, OMIM 618624.
Fetal anomalies with a likely genetic cause.

Submissions (2):

Genetics Laboratory, Great Ormond Street Hospital NHS Foundation Trust, North Thames Genomic Laboratory Hub
Classification: Likely pathogenic for Fetal anomalies with a likely genetic cause. Last evaluated: 2026-08-05. Review status: criteria provided, single submitter. Criteria: ACGS Best Practice Guidelines for Variant Classification in Rare Disease 2024 v1.2. Collection method: clinical testing. Allele origin: germline. Affected: yes.
Comment: PM2_moderate, PP3_supporting, PM1_moderate, PS2_supporting

Institute for Genomic Medicine (IGM) Clinical Laboratory, Nationwide Children's Hospital
Classification: Uncertain significance for Noonan syndrome 12. Last evaluated: 2025-06-03. Review status: criteria provided, single submitter. Criteria: ACMG Guidelines, 2015. Collection method: clinical testing. Allele origin: germline.
Comment: This variant is located in a mutational hot spot and/or critical and well-established functional domain (ACMG/AMP: PM1). This variant is absent from or present at an exceedingly low frequency in gnomAD, a large-scale control population database (ACMG/AMP: PM2). This variant is predicted to alter protein function or structure, or disrupt splicing by multiple in silico tools (ACMG/AMP: PP3).